The following is an entry in ClinVar:

NM_001194998.2(CEP152):c.1577+6G>A

Gene: CEP152 (centrosomal protein 152; minus strand). Cytogenetic location: 15q21.1.
Variant type: single nucleotide variant.
Coding change: c.1577+6G>A on transcript NM_001194998.2 (MANE Select); 6 bases into the intron after coding-DNA position 1577, G replaced by A.
Molecular consequence: intron variant.
Genome position (GRCh38, 1-based): chr15:48,781,190, C>T on the plus strand (G>A on the coding strand, the complement: CEP152 is on the minus strand). VCF-style: chr15-48781190-C-T. GRCh37 (hg19) VCF-style: chr15-49073387-C-T.
Other names: c.1577+6G>A (NM_014985.4, NM_001194998.1).
Identifiers: ClinVar variation 158229 (VCV000158229.22), dbSNP rs78525896, ClinGen allele CA171702.

ClinVar aggregate classification (germline): Benign/Likely benign. Review status: criteria provided, multiple submitters, no conflicts (2 of 4 stars). 8 submissions from 7 submitters: Benign (4); Likely benign (3). 1 of the submissions does not count toward it. Last evaluated 2026-01-31.

Conditions:
CEP152-related disorder. Also called: CEP152-related condition; CEP152-related disorders. Identifiers: MedGen CN239248.
Microcephaly 9, primary, autosomal recessive. Identifiers: Orphanet 2512, MedGen C3553886, MONDO:0013923, OMIM 614852.
Seckel syndrome 5 (SCKL5). Identifiers: Orphanet 808, MedGen C3151187, MONDO:0013443, OMIM 613823.

Allele frequency attached by ClinVar (database versions not stated): gnomAD exomes 0.00088 and 0.00240; ExAC 0.00284; 1000 Genomes Project 0.00938; gnomAD 0.00964 and 0.01033; 1000 Genomes Project 30x 0.00968; ESP Exome Variant Server 0.01045; TOPMed 0.01127.
gnomAD v4.1: 2,841 of 1,612,486 alleles (0.18%); highest among the groups gnomAD compares: African/African-American, 3.3%; 44 homozygotes.

Submissions (8):

Labcorp Genetics (formerly Invitae), Labcorp
Classification: Benign. Last evaluated: 2026-01-31. Review status: criteria provided, single submitter. Criteria: Invitae Variant Classification Sherloc (09022015). Collection method: clinical testing. Allele origin: germline.

Illumina Laboratory Services, Illumina
Classification: Benign for Microcephaly 9, primary, autosomal recessive. Last evaluated: 2018-01-12. Review status: criteria provided, single submitter. Criteria: ICSL Variant Classification Criteria 13 December 2019. Collection method: clinical testing. Allele origin: germline.
Comment: This variant was observed in the ICSL laboratory as part of a predisposition screen in an ostensibly healthy population. It had not been previously curated by ICSL or reported in the Human Gene Mutation Database (HGMD: prior to June 1st, 2018), and was therefore a candidate for classification through an automated scoring system. Utilizing variant allele frequency, disease prevalence and penetrance estimates, and inheritance mode, an automated score was calculated to assess if this variant is too frequent to cause the disease. Based on the score and internal cut-off values, a variant classified as benign is not then subjected to further curation. The score for this variant resulted in a classification of benign for this disease.

Illumina Laboratory Services, Illumina
Classification: Benign for Seckel syndrome 5. Last evaluated: 2018-01-12. Review status: criteria provided, single submitter. Criteria: ICSL Variant Classification Criteria 13 December 2019. Collection method: clinical testing. Allele origin: germline.
Comment: the same text as in the submission from Illumina Laboratory Services, Illumina above.

Center for Pediatric Genomic Medicine, Children's Mercy Hospital and Clinics
Classification: Likely benign. Last evaluated: 2017-04-27. Review status: criteria provided, single submitter. Criteria: ACMG Guidelines, 2015. Collection method: clinical testing. Allele origin: germline.

GeneDx
Classification: Benign. Last evaluated: 2015-03-03. Review status: criteria provided, single submitter. Criteria: GeneDx Variant Classification Process June 2021. Collection method: clinical testing. Allele origin: germline. Affected: yes.

Genetic Services Laboratory, University of Chicago
Classification: Likely benign. Last evaluated: 2013-02-15. Review status: criteria provided, single submitter. Criteria: ACMG Guidelines, 2007. Collection method: clinical testing. Allele origin: germline. Inheritance: Autosomal recessive inheritance.
Comment: Likely benign based on allele frequency in 1000 Genomes Project or ESP global frequency and its presence in a patient with a rare or unrelated disease phenotype. NOT Sanger confirmed

Breakthrough Genomics
Classification: Likely benign. Review status: criteria provided, single submitter. Criteria: ACMG Guidelines, 2015. Collection method: not provided. Allele origin: germline. Inheritance: Autosomal recessive inheritance. Affected: yes.

PreventionGenetics, part of Exact Sciences
Classification: Benign for CEP152-related condition. Last evaluated: 2019-12-24. Review status: no assertion criteria provided. Collection method: clinical testing. Allele origin: germline. Not counted in ClinVar's aggregate classification.
Comment: This variant is classified as benign based on ACMG/AMP sequence variant interpretation guidelines (Richards et al. 2015 PMID: 25741868, with internal and published modifications).